The following is an entry in ClinVar:

NM_024312.5(GNPTAB):c.1500C>T (p.Asn500=)

Gene: GNPTAB (N-acetylglucosamine-1-phosphate transferase subunits alpha and beta; minus strand). Cytogenetic location: 12q23.2.
Variant type: single nucleotide variant.
Coding change: c.1500C>T on transcript NM_024312.5 (MANE Select); coding-DNA position 1500, C replaced by T.
Protein change: p.Asn500=; no amino-acid change (asparagine 500 retained).
Molecular consequence: synonymous variant.
Genome position (GRCh38, 1-based): chr12:101,766,203, G>A on the plus strand (C>T on the coding strand, the complement: GNPTAB is on the minus strand). VCF-style: chr12-101766203-G-A. GRCh37 (hg19) VCF-style: chr12-102159981-G-A.
Other names: p.Asn500=.
Identifiers: ClinVar variation 791000 (VCV000791000.15), dbSNP rs77597686, ClinGen allele CA6746601.

ClinVar aggregate classification (germline): Benign/Likely benign. Review status: criteria provided, multiple submitters, no conflicts (2 of 4 stars). 5 submissions from 5 submitters: Benign (2); Likely benign (2). 1 of the submissions does not count toward it. Last evaluated 2026-02-04.

Conditions:
Mucolipidosis type II. Also called: Mucolipidosis 2; ML 2; Inclusion cell disease; Leroy Disease; N-acetylglucosamine 1phosphotransferase deficiency; ML disorder type 2. Identifiers: Orphanet 576, MedGen C2673377, MONDO:0009650, OMIM 252500.
Pseudo-Hurler polydystrophy. Also called: ML IIIA; Mucolipidosis III Alpha/Beta; ML III; ML III ALPHA/BETA; Type III Mucolipidosis; MUCOLIPIDOSIS IIIA. Identifiers: Orphanet 423461, Orphanet 577, MedGen C0033788, MONDO:0018931, OMIM 252600.

Allele frequency attached by ClinVar (database versions not stated): gnomAD exomes 0.00029 and 0.00085; ExAC 0.00082; ESP Exome Variant Server 0.00246; 1000 Genomes Project 30x 0.00250; 1000 Genomes Project 0.00280; gnomAD 0.00292 and 0.00317; TOPMed 0.00358.
gnomAD v4.1: 913 of 1,613,956 alleles (0.057%); highest among the groups gnomAD compares: African/African-American, 1%; 5 homozygotes.

Submissions (5):

Labcorp Genetics (formerly Invitae), Labcorp
Classification: Benign for Pseudo-Hurler polydystrophy; Mucolipidosis type II. Last evaluated: 2026-02-04. Review status: criteria provided, single submitter. Criteria: Invitae Variant Classification Sherloc (09022015). Collection method: clinical testing. Allele origin: germline.

Mayo Clinic Laboratories, Mayo Clinic
Classification: Likely benign. Last evaluated: 2025-07-30. Review status: criteria provided, single submitter. Criteria: ACMG Guidelines, 2015. Collection method: clinical testing. Allele origin: germline. Observed: 6 variant alleles.
Comment: BS1, BP4, BP7

Blueprint Genetics
Classification: Likely benign. Last evaluated: 2024-11-14. Review status: criteria provided, single submitter. Criteria: ACMG Guidelines, 2015. Collection method: clinical testing. Allele origin: germline.

Breakthrough Genomics
Classification: Benign. Review status: criteria provided, single submitter. Criteria: ACMG Guidelines, 2015. Collection method: not provided. Allele origin: germline. Inheritance: Autosomal recessive inheritance. Affected: yes.

Natera, Inc.
Classification: Benign for Mucolipidosis type II. Last evaluated: 2020-09-16. Review status: no assertion criteria provided. Collection method: clinical testing. Allele origin: germline. Not counted in ClinVar's aggregate classification.